The following is an entry in ClinVar:

ClinVar aggregate classification (germline): Uncertain significance. Review status: criteria provided, multiple submitters, no conflicts (2 of 4 stars). 6 submissions from 5 submitters: Uncertain significance (6). Last evaluated 2025-08-19.

Conditions:
Cardiovascular phenotype. Identifiers: MedGen CN230736.
RASopathy. Also called: Noonan spectrum disorder; rasopathies. Identifiers: Orphanet 536391, MedGen C5555857, MONDO:0021060.
Fibromatosis, gingival, 1 (GINGF1). Identifiers: Orphanet 2024, MedGen C4551558, MONDO:0007609, OMIM 135300.
Noonan syndrome 4 (NS4). Also called: SOS1-Related Noonan Syndrome; NOONAN SYNDROME WITH PIGMENTED VILLONODULAR SYNOVITIS. Identifiers: Orphanet 648, MedGen C1853120, MONDO:0012547, OMIM 610733.

Allele frequency attached by ClinVar (database versions not stated): gnomAD exomes 0.00001; ExAC 0.00002.
gnomAD v4.1: 4 of 1,613,032 alleles (0.00025%); highest among the groups gnomAD compares: East Asian, 0.0022%; no homozygotes.

Submissions (6):

Ambry Genetics
Classification: Uncertain significance for Cardiovascular phenotype. Last evaluated: 2025-08-19. Review status: criteria provided, single submitter. Criteria: Ambry Variant Classification Scheme 2023. Collection method: clinical testing. Allele origin: germline.
Comment: The p.N522H variant (also known as c.1564A>C), located in coding exon 10 of the SOS1 gene, results from an A to C substitution at nucleotide position 1564. The asparagine at codon 522 is replaced by histidine, an amino acid with similar properties. This amino acid position is conserved. In addition, the in silico prediction for this alteration is inconclusive. Based on the available evidence, the clinical significance of this variant remains unclear.

Labcorp Genetics (formerly Invitae), Labcorp
Classification: Uncertain significance for RASopathy. Last evaluated: 2020-05-27. Review status: criteria provided, single submitter. Criteria: Invitae Variant Classification Sherloc (09022015). Collection method: clinical testing. Allele origin: germline.
Comment: Algorithms developed to predict the effect of missense changes on protein structure and function are either unavailable or do not agree on the potential impact of this missense change (SIFT: "Deleterious"; PolyPhen-2: "Benign"; Align-GVGD: "Class C0"). This sequence change replaces asparagine with histidine at codon 522 of the SOS1 protein (p.Asn522His). The asparagine residue is moderately conserved and there is a small physicochemical difference between asparagine and histidine. This variant is present in population databases (rs761094509, ExAC 0.005%). This variant has not been reported in the literature in individuals with SOS1-related conditions. ClinVar contains an entry for this variant (Variation ID: 229262). In summary, the available evidence is currently insufficient to determine the role of this variant in disease. Therefore, it has been classified as a Variant of Uncertain Significance.

Fulgent Genetics
Classification: Uncertain significance for Fibromatosis, gingival, 1; Noonan syndrome 4. Last evaluated: 2018-10-31. Review status: criteria provided, single submitter. Criteria: ACMG Guidelines, 2015. Collection method: clinical testing. Allele origin: unknown.

Laboratory for Molecular Medicine, Mass General Brigham Personalized Medicine
Classification: Uncertain significance. Last evaluated: 2016-01-07. Review status: criteria provided, single submitter. Criteria: LMM Criteria. Collection method: clinical testing. Allele origin: germline. Observed: 1 variant allele.
Comment: The p.Asn522His variant in SOS1 has not been previously reported in individuals with a RASopathy disorder, but has been identified in 3/66294 of European chromo somes by the Exome Aggregation Consortium (ExAC; dbSNP rs761094509). Computational prediction tools and conservation analysis su ggest that this variant may impact the protein, though this information is not p redictive enough to determine pathogenicity. In summary, the clinical significan ce of the p.Asn522His variant is uncertain

Genome-Nilou Lab
Classification: Uncertain significance for Noonan syndrome 4. Review status: criteria provided, single submitter. Criteria: ACMG Guidelines, 2015. Collection method: clinical testing. Allele origin: germline.

Genome-Nilou Lab
Classification: Uncertain significance for Fibromatosis, gingival, 1. Review status: criteria provided, single submitter. Criteria: ACMG Guidelines, 2015. Collection method: clinical testing. Allele origin: germline.

NM_005633.4(SOS1):c.1564A>C (p.Asn522His)

Gene: SOS1 (SOS Ras/Rac guanine nucleotide exchange factor 1; minus strand). Cytogenetic location: 2p22.1.
Variant type: single nucleotide variant.
Coding change: c.1564A>C on transcript NM_005633.4 (MANE Select); coding-DNA position 1564, A replaced by C.
Protein change: p.Asn522His; replaces asparagine 522 with histidine.
Molecular consequence: missense variant.
Genome position (GRCh38, 1-based): chr2:39,022,864, T>G on the plus strand (A>C on the coding strand, the complement: SOS1 is on the minus strand). VCF-style: chr2-39022864-T-G. GRCh37 (hg19) VCF-style: chr2-39250005-T-G.
Other names: c.1543A>C, p.Asn515His (NM_001382394.1); c.1564A>C, p.Asn522His (NM_001382395.1); short protein forms N522H, N515H.
Identifiers: ClinVar variation 229262 (VCV000229262.16), dbSNP rs761094509, ClinGen allele CA1624582.
Genomic context (GRCh38, chr2:39,022,864, plus strand): 5'-TCAATGCTGCCATCCAATTGTTTTTCTCTTCAGCTGACTTGGCAGAAAATATAACACTAT[T>G]TTCATCTTTTAAAATTATTTCAAAAGCATGCTTGTATTCATTGGTGTCATCTTTATCATT-3'
Protein context (NP_005624.2, residues 512-532): HAFEIILKDE[Asn522His]SVIFSAKSAE